The following is an entry in ClinVar:

ClinVar aggregate classification (germline): Uncertain significance (1 of 4 stars; one submission).

Conditions:
Candidiasis, familial, 9 (CANDF9). Identifiers: Orphanet 1334, MedGen C4225324, MONDO:0014642, OMIM 616445.

Allele frequency attached by ClinVar (database versions not stated): gnomAD exomes below 0.00001; ExAC 0.00001.
gnomAD v4.1: 2 of 1,606,654 alleles (0.00012%); highest among the groups gnomAD compares: Admixed American, 0.0017%; no homozygotes.

Submission:

Labcorp Genetics (formerly Invitae), Labcorp
Classification: Uncertain significance for Candidiasis, familial, 9. Last evaluated: 2023-11-27. Review status: criteria provided, single submitter. Criteria: Invitae Variant Classification Sherloc (09022015). Collection method: clinical testing. Allele origin: germline.
Comment: This sequence change replaces leucine, which is neutral and non-polar, with phenylalanine, which is neutral and non-polar, at codon 651 of the IL17RC protein (p.Leu651Phe). This variant is present in population databases (rs751383602, gnomAD 0.003%). This variant has not been reported in the literature in individuals affected with IL17RC-related conditions. An algorithm developed to predict the effect of missense changes on protein structure and function (PolyPhen-2) suggests that this variant is likely to be disruptive. In summary, the available evidence is currently insufficient to determine the role of this variant in disease. Therefore, it has been classified as a Variant of Uncertain Significance.

NM_153460.4(IL17RC):c.1738C>T (p.Leu580Phe)

Gene: IL17RC (interleukin 17 receptor C; plus strand). Cytogenetic location: 3p25.3.
Variant type: single nucleotide variant.
Coding change: c.1738C>T on transcript NM_153460.4 (MANE Select); coding-DNA position 1738, C replaced by T.
Protein change: p.Leu580Phe; replaces leucine 580 with phenylalanine.
Molecular consequence: missense variant. On other transcripts: non-coding transcript variant (1).
Genome position (GRCh38, 1-based): chr3:9,933,168, C>T. VCF-style: chr3-9933168-C-T. GRCh37 (hg19) VCF-style: chr3-9974852-C-T.
Other names: c.1951C>T, p.Leu651Phe (NM_153461.4); c.1699C>T, p.Leu567Phe (NM_001203263.2); c.1648C>T, p.Leu550Phe (NM_001203264.2); c.1642C>T, p.Leu548Phe (NM_001203265.2); c.1660C>T, p.Leu554Phe (NM_001367278.1); c.1579C>T, p.Leu527Phe (NM_001367279.1); c.1654C>T, p.Leu552Phe (NM_001367280.1); c.1603C>T, p.Leu535Phe (NM_001410711.1); and 1 more; short protein forms L527F, L535F, L651F, L550F, L554F, L548F, L552F, L567F.
Identifiers: ClinVar variation 2914206 (VCV002914206.3), dbSNP rs751383602, ClinGen allele CA2247395.